The following is an entry in ClinVar:

NM_002226.5(JAG2):c.2763C>T (p.Ser921=)

Gene: JAG2 (jagged canonical Notch ligand 2; minus strand). Cytogenetic location: 14q32.33.
Variant type: single nucleotide variant.
Coding change: c.2763C>T on transcript NM_002226.5 (MANE Select); coding-DNA position 2763, C replaced by T.
Protein change: p.Ser921=; no amino-acid change (serine 921 retained).
Molecular consequence: synonymous variant.
Genome position (GRCh38, 1-based): chr14:105,145,920, G>A on the plus strand (C>T on the coding strand, the complement: JAG2 is on the minus strand). VCF-style: chr14-105145920-G-A. GRCh37 (hg19) VCF-style: chr14-105612257-G-A.
Other names: p.Ser921=; c.2649C>T, p.Ser883= (NM_145159.3).
Identifiers: ClinVar variation 775351 (VCV000775351.23), dbSNP rs372567398, ClinGen allele CA7385436.
Genomic context (GRCh38, chr14:105,145,920, plus strand): 5'-TGGTCGCAGACACTGGCCTGGGGCCTTCTCCAGGCACCTTTGCCCCAGTGGGCACTGGGC[G>A]CTCAGGGCCTCGGGCTGGCCGGCCAGCAGACAAGGCTTCCATCCGCACCACACCTGGGCA-3'
Protein context (NP_002217.3, residues 911-931): CLLAGQPEAL[Ser921=]AQCPLGQRCL

ClinVar aggregate classification (germline): Benign/Likely benign. Review status: criteria provided, multiple submitters, no conflicts (2 of 4 stars). 5 submissions from 5 submitters: Benign (3); Likely benign (1). 1 of the submissions does not count toward it. Last evaluated 2026-06-01.

Conditions:
JAG2-related disorder. Also called: JAG2-related condition.

Allele frequency attached by ClinVar (database versions not stated): gnomAD exomes 0.00038 and 0.00075; ExAC 0.00169; 1000 Genomes Project 30x 0.00234; 1000 Genomes Project 0.00260; gnomAD 0.00309 and 0.00332; ESP Exome Variant Server 0.00321; TOPMed 0.00360.
gnomAD v4.1: 1,044 of 1,574,536 alleles (0.066%); highest among the groups gnomAD compares: African/African-American, 1.2%; 7 homozygotes.

Submissions (5):

CeGaT Center for Human Genetics Tuebingen
Classification: Likely benign. Last evaluated: 2026-06-01. Review status: criteria provided, single submitter. Criteria: CeGaT Center For Human Genetics Tuebingen Variant Classification Criteria Version 2. Collection method: clinical testing. Allele origin: germline. Affected: yes. Observed: 2 variant alleles.
Comment: JAG2: BP4, BP7, BS1

Mayo Clinic Laboratories, Mayo Clinic
Classification: Benign. Last evaluated: 2025-02-26. Review status: criteria provided, single submitter. Criteria: ACMG Guidelines, 2015. Collection method: clinical testing. Allele origin: germline. Observed: 1 variant allele.
Comment: BS1, BS2, BP4, BP7

Labcorp Genetics (formerly Invitae), Labcorp
Classification: Benign. Last evaluated: 2019-12-31. Review status: criteria provided, single submitter. Criteria: Invitae Variant Classification Sherloc (09022015). Collection method: clinical testing. Allele origin: germline.

Breakthrough Genomics
Classification: Benign. Review status: criteria provided, single submitter. Criteria: ACMG Guidelines, 2015. Collection method: not provided. Allele origin: germline. Inheritance: Autosomal recessive inheritance. Affected: yes.

PreventionGenetics, part of Exact Sciences
Classification: Likely benign for JAG2-related condition. Last evaluated: 2019-03-18. Review status: no assertion criteria provided. Collection method: clinical testing. Allele origin: germline. Not counted in ClinVar's aggregate classification.
Comment: This variant is classified as likely benign based on ACMG/AMP sequence variant interpretation guidelines (Richards et al. 2015 PMID: 25741868, with internal and published modifications).